The following is an entry in ClinVar:

NM_001134407.3(GRIN2A):c.2050A>G (p.Thr684Ala)

Gene: GRIN2A (glutamate ionotropic receptor NMDA type subunit 2A; minus strand). Cytogenetic location: 16p13.2.
Variant type: single nucleotide variant.
Coding change: c.2050A>G on transcript NM_001134407.3 (MANE Select); coding-DNA position 2050, A replaced by G.
Protein change: p.Thr684Ala; replaces threonine 684 with alanine.
Molecular consequence: missense variant.
Genome position (GRCh38, 1-based): chr16:9,822,382, T>C on the plus strand (A>G on the coding strand, the complement: GRIN2A is on the minus strand). VCF-style: chr16-9822382-T-C. GRCh37 (hg19) VCF-style: chr16-9916239-T-C.
Other names: p.T684A:ACA>GCA; c.2050A>G, p.Thr684Ala (NM_000833.5, NM_001134408.2); short protein forms T684A.
Identifiers: ClinVar variation 205654 (VCV000205654.3), dbSNP rs796052547, ClinGen allele CA314943.
Genomic context (GRCh38, chr16:9,822,382, plus strand): 5'-ACTGATGCATGTAGGGATAGTTATTCCGAATGTTTCTCTCCGTGCTTCCATTAGGCACTG[T>C]CCCAAATCGAAAAGGTGGGGAATAGTCATGAGGTCTCTGAAACTGGAGAGAGAACGAGAA-3'
Protein context (NP_001127879.1, residues 674-694): HDYSPPFRFG[Thr684Ala]VPNGSTERNI

ClinVar aggregate classification (germline): Likely pathogenic. Review status: criteria provided, multiple submitters, no conflicts (2 of 4 stars). 2 submissions from 2 submitters: Likely pathogenic (2). Last evaluated 2019-01-01.

Conditions:
Landau-Kleffner syndrome (FESD). Also called: EPILEPSY, FOCAL, WITH SPEECH DISORDER AND WITH OR WITHOUT MENTAL RETARDATION; APHASIA, ACQUIRED, WITH EPILEPSY. Identifiers: Orphanet 1945, Orphanet 725, Orphanet 98818, MedGen C0282512, MONDO:0009509, OMIM 245570.

Submissions (2):

Institute of Human Genetics, University of Leipzig Medical Center
Classification: Likely pathogenic for Landau-Kleffner syndrome. Last evaluated: 2019-01-01. Review status: criteria provided, single submitter. Criteria: ACMG Guidelines, 2015. Collection method: research. Allele origin: de novo. Affected: yes.

GeneDx
Classification: Likely pathogenic. Last evaluated: 2014-06-26. Review status: criteria provided, single submitter. Criteria: GeneDx Variant Classification (06012015). Collection method: clinical testing. Allele origin: germline. Affected: yes.
Comment: p.Thr684Ala (ACA>GCA): c.2050 A>G in exon 11 of the GRIN2A gene (NM_000833.3). The T684A variant has not been published as a mutation, nor has it been reported as a benign polymorphism to our knowledge. It was not observed in approximately 6,500 individuals of European and African American ancestry in the NHLBI Exome Sequencing Project, indicating it is not a common benign variant in these populations. The T684A variant is a non-conservative amino acid substitution, which is likely to impact secondary protein structure as these residues differ in polarity, charge, size and/or other properties. This substitution alters a conserved position in the predicted extracellular loop between the second and third transmembrane domains of the GRIN2A protein, and other missense mutations in this region of the protein have been reported in association with GRIN2A-related disorders, supporting the functional importance of this region of the protein. In silico analysis predicts this variant is probably damaging to the protein structure/function. Based on the currently available information, it is unclear whether this variant is a pathogenic mutation or a rare benign variant. The variant is found in EPILEPSY panel(s).

Literature cited by the submitters: PubMed 30544257 (cited by Institute of Human Genetics, University of Leipzig Medical Center).